The following is an entry in ClinVar:

ClinVar aggregate classification (germline): Uncertain significance (1 of 4 stars; one submission).

Submission:

Labcorp Genetics (formerly Invitae), Labcorp
Classification: Uncertain significance. Last evaluated: 2025-03-10. Review status: criteria provided, single submitter. Criteria: Invitae Variant Classification Sherloc (09022015). Collection method: clinical testing. Allele origin: germline.
Comment: This variant, c.33_35dup, results in the insertion of 1 amino acid(s) of the MAP3K7 protein (p.Ser14dup), but otherwise preserves the integrity of the reading frame. The frequency data for this variant in the population databases is considered unreliable, as metrics indicate poor data quality at this position in the gnomAD database. This variant has not been reported in the literature in individuals affected with MAP3K7-related conditions. In summary, the available evidence is currently insufficient to determine the role of this variant in disease. Therefore, it has been classified as a Variant of Uncertain Significance.

NM_145331.3(MAP3K7):c.21CTC[6] (p.Ser14_Ala15insSer)

Gene: MAP3K7 (mitogen-activated protein kinase kinase kinase 7; minus strand). Cytogenetic location: 6q15.
Variant type: Microsatellite.
Coding change: c.21CTC[6] on transcript NM_145331.3 (MANE Select); six copies in a row of the 3-base unit CTC starting at c.21; the reference has five copies in a row; one copy, 3 bases duplicated.
Protein change: p.Ser14_Ala15insSer.
Molecular consequence: inframe insertion.
Genome position (GRCh38, 1-based): chr6:90,586,849-90,586,851, GAG duplicated on the plus strand (CTC on the coding strand, the reverse complement: MAP3K7 is on the minus strand); duplicating any 3 consecutive bases within chr6:90,586,849-90,586,864 gives the same sequence; the position shown is the placement nearest the transcript's 3' end. VCF-style (leftmost placement, unchanged base first): chr6-90586848-C-CGAG. GRCh37 (hg19) VCF-style: chr6-91296567-C-CGAG.
Other names: c.21CTC[6], p.Ser14_Ala15insSer (NM_003188.4, NM_145332.3, NM_145333.3).
Identifiers: ClinVar variation 4748481 (VCV004748481.1).